The following is an entry in ClinVar:

ClinVar aggregate classification (germline): Benign/Likely benign. Review status: criteria provided, multiple submitters, no conflicts (2 of 4 stars). 2 submissions from 2 submitters: Benign (1); Likely benign (1). Last evaluated 2023-10-23.

Conditions:
Nicolaides-Baraitser syndrome (NCBRS). Also called: SMARCA2-Related Nicolaides-Baraitser Syndrome; Intellectual disability-sparse hair-brachydactyly syndrome. Identifiers: Orphanet 3051, MedGen C1303073, MONDO:0011053, OMIM 601358.

Allele frequency attached by ClinVar (database versions not stated): gnomAD 0.00001; gnomAD exomes 0.00002 and 0.00005; TOPMed 0.00004; ExAC 0.00008.
gnomAD v4.1: 33 of 1,613,520 alleles (0.002%); highest among the groups gnomAD compares: East Asian, 0.058%; no homozygotes.

Submissions (2):

Blueprint Genetics
Classification: Likely benign. Last evaluated: 2023-10-23. Review status: criteria provided, single submitter. Criteria: ACMG Guidelines, 2015. Collection method: clinical testing. Allele origin: germline.

Illumina Laboratory Services, Illumina
Classification: Benign for Nicolaides-Baraitser syndrome. Last evaluated: 2018-01-13. Review status: criteria provided, single submitter. Criteria: ICSL Variant Classification Criteria 13 December 2019. Collection method: clinical testing. Allele origin: germline.
Comment: This variant was observed in the ICSL laboratory as part of a predisposition screen in an ostensibly healthy population. It had not been previously curated by ICSL or reported in the Human Gene Mutation Database (HGMD: prior to June 1st, 2018), and was therefore a candidate for classification through an automated scoring system. Utilizing variant allele frequency, disease prevalence and penetrance estimates, and inheritance mode, an automated score was calculated to assess if this variant is too frequent to cause the disease. Based on the score and internal cut-off values, a variant classified as benign is not then subjected to further curation. The score for this variant resulted in a classification of benign for this disease.

NM_003070.5(SMARCA2):c.1675A>C (p.Arg559=)

Gene: SMARCA2 (SWI/SNF related BAF chromatin remodeling complex subunit ATPase 2; plus strand). Cytogenetic location: 9p24.3.
Variant type: single nucleotide variant.
Coding change: c.1675A>C on transcript NM_003070.5 (MANE Select); coding-DNA position 1675, A replaced by C.
Protein change: p.Arg559=; no amino-acid change (arginine 559 retained).
Molecular consequence: synonymous variant.
Genome position (GRCh38, 1-based): chr9:2,060,969, A>C. VCF-style: chr9-2060969-A-C. GRCh37 (hg19) VCF-style: chr9-2060969-A-C.
Other names: c.1675A>C, p.Arg559= (NM_001289396.2, NM_001289397.2, NM_139045.4).
Identifiers: ClinVar variation 914438 (VCV000914438.5), dbSNP rs753721830, ClinGen allele CA4963213.